The following is an entry in ClinVar:

NM_030962.4(SBF2):c.555G>C (p.Gln185His)

Gene: SBF2 (SET binding factor 2; minus strand). Cytogenetic location: 11p15.4.
Variant type: single nucleotide variant.
Coding change: c.555G>C on transcript NM_030962.4 (MANE Select); coding-DNA position 555, G replaced by C.
Protein change: p.Gln185His; replaces glutamine 185 with histidine.
Molecular consequence: missense variant.
Genome position (GRCh38, 1-based): chr11:10,028,516, C>G on the plus strand (G>C on the coding strand, the complement: SBF2 is on the minus strand). VCF-style: chr11-10028516-C-G. GRCh37 (hg19) VCF-style: chr11-10050063-C-G.
Other names: c.555G>C, p.Gln185His (NM_001386339.1, NM_001386342.1); short protein forms Q185H.
Identifiers: ClinVar variation 1393026 (VCV001393026.8), dbSNP rs1254270693, ClinGen allele CA379646009.

ClinVar aggregate classification (germline): Uncertain significance (1 of 4 stars; one submission).

Conditions:
Charcot-Marie-Tooth disease type 4. Also called: Charcot-Marie-Tooth, Type 4; Charcot-Marie-Tooth disease, type IV. Identifiers: Orphanet 64749, MedGen C4082197, MONDO:0018995.

gnomAD v4.1: 2 of 1,613,742 alleles (0.00012%); highest among the groups gnomAD compares: Non-Finnish European, 0.00017%; no homozygotes.

Submission:

Labcorp Genetics (formerly Invitae), Labcorp
Classification: Uncertain significance for Charcot-Marie-Tooth disease type 4. Last evaluated: 2021-02-07. Review status: criteria provided, single submitter. Criteria: Invitae Variant Classification Sherloc (09022015). Collection method: clinical testing. Allele origin: germline.
Comment: This sequence change replaces glutamine with histidine at codon 185 of the SBF2 protein (p.Gln185His). The glutamine residue is moderately conserved and there is a small physicochemical difference between glutamine and histidine. This variant is not present in population databases (ExAC no frequency). This variant has not been reported in the literature in individuals with SBF2-related conditions. Algorithms developed to predict the effect of missense changes on protein structure and function are either unavailable or do not agree on the potential impact of this missense change (SIFT: "Tolerated"; PolyPhen-2: "Possibly Damaging"; Align-GVGD: "Class C0"). In summary, the available evidence is currently insufficient to determine the role of this variant in disease. Therefore, it has been classified as a Variant of Uncertain Significance.